The following is an entry in ClinVar:

ClinVar aggregate classification (germline): Uncertain significance (1 of 4 stars; one submission).

gnomAD v4.1: 1 of 1,610,692 alleles (0.000062%); highest among the groups gnomAD compares: Non-Finnish European, 0.000085%; no homozygotes.

Submission:

GeneDx
Classification: Uncertain significance. Last evaluated: 2025-04-08. Review status: criteria provided, single submitter. Criteria: GeneDx Variant Classification Process June 2021. Collection method: clinical testing. Allele origin: germline. Affected: yes.
Comment: Not observed at significant frequency in large population cohorts (gnomAD); In silico analysis supports a deleterious effect on splicing; Has not been previously published as pathogenic or benign to our knowledge

NM_001378328.1(CELSR1):c.8555-3C>G

Gene: CELSR1 (cadherin EGF LAG seven-pass G-type receptor 1; minus strand). Cytogenetic location: 22q13.31.
Variant type: single nucleotide variant.
Coding change: c.8555-3C>G on transcript NM_001378328.1 (MANE Select); 3 bases into the intron before coding-DNA position 8555, C replaced by G.
Molecular consequence: intron variant.
Genome position (GRCh38, 1-based): chr22:46,364,739, G>C on the plus strand (C>G on the coding strand, the complement: CELSR1 is on the minus strand). VCF-style: chr22-46364739-G-C. GRCh37 (hg19) VCF-style: chr22-46760636-G-C.
Other names: c.8555-3C>G (NM_014246.4).
Identifiers: ClinVar variation 4282468 (VCV004282468.1).